The following is an entry in ClinVar:

ClinVar aggregate classification (germline): Uncertain significance (1 of 4 stars; one submission).

Conditions:
Megaconial type congenital muscular dystrophy (MDCMC). Also called: CHKB-Related Muscular Dystrophy; CHKB-Related Muscle Diseases; MUSCULAR DYSTROPHY, CONGENITAL, WITH MITOCHONDRIAL STRUCTURAL ABNORMALITIES. Identifiers: Orphanet 280671, MedGen C1865233, MONDO:0011246, OMIM 602541.

Allele frequency attached by ClinVar (database versions not stated): gnomAD exomes 0.00002; TOPMed 0.00002; ExAC 0.00003; gnomAD 0.00003.
gnomAD v4.1: 36 of 1,612,520 alleles (0.0022%); highest among the groups gnomAD compares: Non-Finnish European, 0.0029%; no homozygotes.

Submission:

Labcorp Genetics (formerly Invitae), Labcorp
Classification: Uncertain significance for Megaconial type congenital muscular dystrophy. Last evaluated: 2024-09-28. Review status: criteria provided, single submitter. Criteria: Invitae Variant Classification Sherloc (09022015). Collection method: clinical testing. Allele origin: germline.
Comment: This sequence change falls in intron 10 of the CHKB gene. It does not directly change the encoded amino acid sequence of the CHKB protein. It affects a nucleotide within the consensus splice site. This variant is present in population databases (rs760858639, gnomAD 0.006%). This variant has not been reported in the literature in individuals affected with CHKB-related conditions. ClinVar contains an entry for this variant (Variation ID: 1406190). Variants that disrupt the consensus splice site are a relatively common cause of aberrant splicing (PMID: 17576681, 9536098). Algorithms developed to predict the effect of sequence changes on RNA splicing suggest that this variant may disrupt the consensus splice site. In summary, the available evidence is currently insufficient to determine the role of this variant in disease. Therefore, it has been classified as a Variant of Uncertain Significance.

Literature cited by the submitters: PubMed 17576681; PubMed 9536098.

NM_005198.5(CHKB):c.1113+4A>T

Genes: CHKB (choline kinase beta; minus strand), CHKB-CPT1B (CHKB-CPT1B readthrough (NMD candidate); minus strand). Cytogenetic location: 22q13.33.
Variant type: single nucleotide variant.
Coding change: c.1113+4A>T on transcript NM_005198.5 (MANE Select); 4 bases into the intron after coding-DNA position 1113, A replaced by T.
Molecular consequence: intron variant.
Genome position (GRCh38, 1-based): chr22:50,579,422, T>A on the plus strand (A>T on the coding strand, the complement: CHKB is on the minus strand). VCF-style: chr22-50579422-T-A. GRCh37 (hg19) VCF-style: chr22-51017851-T-A.
Identifiers: ClinVar variation 1406190 (VCV001406190.4), dbSNP rs760858639, ClinGen allele CA10323491.
Genomic context (GRCh38, chr22:50,579,422, plus strand): 5'-AAGAGTGTGGCTGCTGCTGCTCCCCAGCCCCCCAGCTAGCATTCCCATCCCCAGGGTCAC[T>A]TACCAAGTAACCAAATTCTATGGTGGACATGGATGCCTGGAGGATGGACCACAGACCCCA-3'